The following is an entry in ClinVar:

ClinVar aggregate classification (germline): Uncertain significance (1 of 4 stars; one submission).

Conditions:
Mucopolysaccharidosis, MPS-III-D (MPS3D). Also called: N-ACETYLGLUCOSAMINE-6-SULFATASE DEFICIENCY; SANFILIPPO SYNDROME D; MPS III D; Mucopoly-saccharidosis type 3D; N-acetylglucosamine-6-sulfate sulfatase deficiency; MPS 3D. Identifiers: Orphanet 581, Orphanet 79272, MedGen C0086650, MONDO:0009658, OMIM 252940.

Allele frequency attached by ClinVar (database versions not stated): gnomAD exomes below 0.00001; ExAC 0.00001.
gnomAD v4.1: 6 of 1,549,938 alleles (0.00039%); highest among the groups gnomAD compares: African/African-American, 0.0014%; no homozygotes.

Submission:

Labcorp Genetics (formerly Invitae), Labcorp
Classification: Uncertain significance for Mucopolysaccharidosis, MPS-III-D. Last evaluated: 2022-05-05. Review status: criteria provided, single submitter. Criteria: Invitae Variant Classification Sherloc (09022015). Collection method: clinical testing. Allele origin: germline.
Comment: This sequence change replaces valine, which is neutral and non-polar, with isoleucine, which is neutral and non-polar, at codon 443 of the GNS protein (p.Val443Ile). This variant is present in population databases (rs772152055, gnomAD 0.0009%). This variant has not been reported in the literature in individuals affected with GNS-related conditions. Algorithms developed to predict the effect of missense changes on protein structure and function output the following: SIFT: "Tolerated"; PolyPhen-2: "Benign"; Align-GVGD: "Class C0". The isoleucine amino acid residue is found in multiple mammalian species, which suggests that this missense change does not adversely affect protein function. In summary, the available evidence is currently insufficient to determine the role of this variant in disease. Therefore, it has been classified as a Variant of Uncertain Significance.

NM_002076.4(GNS):c.1327G>A (p.Val443Ile)

Gene: GNS (glucosamine (N-acetyl)-6-sulfatase; minus strand). Cytogenetic location: 12q14.3.
Variant type: single nucleotide variant.
Coding change: c.1327G>A on transcript NM_002076.4 (MANE Select); coding-DNA position 1327, G replaced by A.
Protein change: p.Val443Ile; replaces valine 443 with isoleucine.
Molecular consequence: missense variant.
Genome position (GRCh38, 1-based): chr12:64,721,687, C>T on the plus strand (G>A on the coding strand, the complement: GNS is on the minus strand). VCF-style: chr12-64721687-C-T. GRCh37 (hg19) VCF-style: chr12-65115467-C-T.
Other names: short protein forms V443I.
Identifiers: ClinVar variation 2163569 (VCV002163569.1), dbSNP rs772152055, ClinGen allele CA6669684.
Genomic context (GRCh38, chr12:64,721,687, plus strand): 5'-TCCACAATGCTGACATTGTCCTCACACAGGCATAGGTATTGTTATAAGCATCTTCACATA[C>T]ACAGTCTGGGAAGCATTGCTGTAGGGATATTTCAAAAGTTAAATGAAGACAGTTCTTCCA-3'
Protein context (NP_002067.1, residues 433-453): PGVSQCFPDC[Val443Ile]CEDAYNNTYA